The following is an entry in ClinVar:

NM_001101426.4(CRPPA):c.*2155A>C

Gene: CRPPA (CDP-L-ribitol pyrophosphorylase A; minus strand). Cytogenetic location: 7p21.2.
Variant type: single nucleotide variant.
Coding change: c.*2155A>C on transcript NM_001101426.4 (MANE Select); 2155 bases downstream of the stop codon, A replaced by C.
Molecular consequence: 3 prime UTR variant. On other transcripts: non-coding transcript variant (1).
Genome position (GRCh38, 1-based): chr7:16,089,540, T>G on the plus strand (A>C on the coding strand, the complement: CRPPA is on the minus strand). VCF-style: chr7-16089540-T-G. GRCh37 (hg19) VCF-style: chr7-16129165-T-G.
Other names: c.*2155A>C (NM_001101417.4, NM_001368197.1).
Identifiers: ClinVar variation 910582 (VCV000910582.4), dbSNP rs28463725, ClinGen allele CA4169299.

ClinVar aggregate classification (germline): Likely benign (1 of 4 stars; one submission).

Conditions:
Congenital Muscular Dystrophy, alpha-dystroglycan related.

Allele frequency attached by ClinVar (database versions not stated): ExAC below 0.00001; gnomAD 0.00041 and 0.00070; gnomAD exomes 0.00164 and 0.00185; 1000 Genomes Project 30x 0.00328; 1000 Genomes Project 0.00339.
gnomAD v4.1: 275 of 237,134 alleles (0.12%); highest among the groups gnomAD compares: East Asian, 0.97%; 3 homozygotes.

Submission:

Illumina Laboratory Services, Illumina
Classification: Likely benign for Congenital Muscular Dystrophy, alpha-dystroglycan related. Last evaluated: 2018-01-12. Review status: criteria provided, single submitter. Criteria: ICSL Variant Classification Criteria 13 December 2019. Collection method: clinical testing. Allele origin: germline.
Comment: This variant was observed in the ICSL laboratory as part of a predisposition screen in an ostensibly healthy population. It had not been previously curated by ICSL or reported in the Human Gene Mutation Database (HGMD: prior to June 1st, 2018), and was therefore a candidate for classification through an automated scoring system. Utilizing variant allele frequency, disease prevalence and penetrance estimates, and inheritance mode, an automated score was calculated to assess if this variant is too frequent to cause the disease. Based on the score and internal cut-off values, a variant classified as likely benign is not then subjected to further curation. The score for this variant resulted in a classification of likely benign for this disease.